The following is an entry in ClinVar:

NM_001385125.1(OPN1SW):c.1004C>T (p.Ser335Phe)

Genes: CALU (calumenin; plus strand), OPN1SW (opsin 1, short wave sensitive; minus strand). Cytogenetic location: 7q32.1.
Variant type: single nucleotide variant.
Coding change: c.1004C>T on transcript NM_001385125.1 (MANE Select); coding-DNA position 1004, C replaced by T.
Protein change: p.Ser335Phe; replaces serine 335 with phenylalanine.
Molecular consequence: missense variant. On other transcripts: 3 prime UTR variant (5), non-coding transcript variant (1).
Genome position (GRCh38, 1-based): chr7:128,772,574, G>A on the plus strand (C>T on the coding strand, the complement: OPN1SW is on the minus strand). VCF-style: chr7-128772574-G-A. GRCh37 (hg19) VCF-style: chr7-128412628-G-A.
Other names: NM_001708.2:c.1013C>T; c.*3407G>A (NM_001130674.3, NM_001199671.2, NM_001199672.2 and 1 more transcripts); c.*3480G>A (NM_001199673.2); short protein forms S335F.
Identifiers: ClinVar variation 1036080 (VCV001036080.11), dbSNP rs376418066, ClinGen allele CA4472766.

ClinVar aggregate classification (germline): Uncertain significance. Review status: criteria provided, multiple submitters, no conflicts (2 of 4 stars). 2 submissions from 2 submitters: Uncertain significance (2). Last evaluated 2025-05-21.

Allele frequency attached by ClinVar (database versions not stated): gnomAD exomes 0.00001 and 0.00005; ExAC 0.00003; gnomAD 0.00005 and 0.00006; TOPMed 0.00007; ESP Exome Variant Server 0.00008.
gnomAD v4.1: 22 of 1,614,090 alleles (0.0014%); highest among the groups gnomAD compares: African/African-American, 0.02%; no homozygotes.

Submissions (2):

Labcorp Genetics (formerly Invitae), Labcorp
Classification: Uncertain significance. Last evaluated: 2025-05-21. Review status: criteria provided, single submitter. Criteria: Invitae Variant Classification Sherloc (09022015). Collection method: clinical testing. Allele origin: germline.
Comment: This sequence change replaces serine, which is neutral and polar, with phenylalanine, which is neutral and non-polar, at codon 338 of the OPN1SW protein (p.Ser338Phe). This variant is present in population databases (rs376418066, gnomAD 0.04%). This variant has not been reported in the literature in individuals affected with OPN1SW-related conditions. ClinVar contains an entry for this variant (Variation ID: 1036080). An algorithm developed to predict the effect of missense changes on protein structure and function (PolyPhen-2) suggests that this variant is likely to be disruptive. In summary, the available evidence is currently insufficient to determine the role of this variant in disease. Therefore, it has been classified as a Variant of Uncertain Significance.

Ambry Genetics
Classification: Uncertain significance. Last evaluated: 2025-04-10. Review status: criteria provided, single submitter. Criteria: Ambry Variant Classification Scheme 2023. Collection method: clinical testing. Allele origin: germline.